The following is an entry in ClinVar:

ClinVar aggregate classification (germline): Uncertain significance. Review status: criteria provided, single submitter (1 of 4 stars). 2 submissions from 2 submitters: Uncertain significance (1). 1 of the submissions does not count toward it. Last evaluated 2026-01-26.

Conditions:
Autosomal recessive limb-girdle muscular dystrophy type 2A (LGMDR1). Also called: LEYDEN-MOEBIUS MUSCULAR DYSTROPHY; MUSCULAR DYSTROPHY, PELVOFEMORAL; Limb-girdle muscular dystrophy, type 2A; Calpainopathy; Muscular dystrophy, limb-girdle, type 2A, Amish. Identifiers: Orphanet 267, MedGen C1869123, MONDO:0009675, OMIM 253600. Disease mechanism: loss of function.

Submissions (2):

Women's Health and Genetics/Laboratory Corporation of America, LabCorp
Classification: Uncertain significance. Last evaluated: 2026-01-26. Review status: criteria provided, single submitter. Criteria: LabCorp Variant Classification Summary - May 2015. Collection method: clinical testing. Allele origin: germline.
Comment: Variant summary: CAPN3 c.2243G>T (p.Arg748Leu) results in a non-conservative amino acid change in the encoded protein sequence. Algorithms developed to predict the effect of missense changes on protein structure and function all suggest that this variant is likely to be disruptive. The variant was absent in 251118 control chromosomes. The available data on variant occurrences in the general population are insufficient to allow any conclusion about variant significance. To our knowledge, no occurrence of c.2243G>T in individuals affected with CAPN3-related conditions and no experimental evidence demonstrating its impact on protein function have been reported. ClinVar contains an entry for this variant (Variation ID: 4063966). Based on the evidence outlined above, the variant was classified as uncertain significance.

Natera, Inc.
Classification: Uncertain significance for Limb-girdle muscular dystrophy type 2A. Last evaluated: 2025-03-17. Review status: no assertion criteria provided. Collection method: clinical testing. Allele origin: germline. Not counted in ClinVar's aggregate classification.

NM_000070.3(CAPN3):c.2243G>T (p.Arg748Leu)

Gene: CAPN3 (calpain 3; plus strand). Cytogenetic location: 15q15.1.
Variant type: single nucleotide variant.
Coding change: c.2243G>T on transcript NM_000070.3 (MANE Select); coding-DNA position 2243, G replaced by T.
Protein change: p.Arg748Leu; replaces arginine 748 with leucine.
Molecular consequence: missense variant.
Genome position (GRCh38, 1-based): chr15:42,410,646, G>T. VCF-style: chr15-42410646-G-T. GRCh37 (hg19) VCF-style: chr15-42702844-G-T.
Other names: c.248G>T, p.Arg83Leu (NM_173090.2, NM_173089.2); c.2225G>T, p.Arg742Leu (NM_024344.2); c.1967G>T, p.Arg656Leu (NM_173087.2); c.707G>T, p.Arg236Leu (NM_173088.2); short protein forms R236L, R656L, R742L, R748L, R83L.
Identifiers: ClinVar variation 4063966 (VCV004063966.2).